The following is an entry in ClinVar:

ClinVar aggregate classification (germline): Uncertain significance (1 of 4 stars; one submission).

Submission:

Labcorp Genetics (formerly Invitae), Labcorp
Classification: Uncertain significance. Last evaluated: 2022-10-17. Review status: criteria provided, single submitter. Criteria: Invitae Variant Classification Sherloc (09022015). Collection method: clinical testing. Allele origin: germline.
Comment: This variant is not present in population databases (gnomAD no frequency). In summary, the available evidence is currently insufficient to determine the role of this variant in disease. Therefore, it has been classified as a Variant of Uncertain Significance. Algorithms developed to predict the effect of missense changes on protein structure and function are either unavailable or do not agree on the potential impact of this missense change (SIFT: "Deleterious"; PolyPhen-2: "Benign"; Align-GVGD: "Class C0"). This variant has not been reported in the literature in individuals affected with LRIT3-related conditions. This sequence change replaces threonine, which is neutral and polar, with serine, which is neutral and polar, at codon 501 of the LRIT3 protein (p.Thr501Ser).

NM_198506.5(LRIT3):c.1501A>T (p.Thr501Ser)

Gene: LRIT3 (leucine rich repeat, Ig-like and transmembrane domains 3; plus strand). Cytogenetic location: 4q25.
Variant type: single nucleotide variant.
Coding change: c.1501A>T on transcript NM_198506.5 (MANE Select); coding-DNA position 1501, A replaced by T.
Protein change: p.Thr501Ser; replaces threonine 501 with serine.
Molecular consequence: missense variant.
Genome position (GRCh38, 1-based): chr4:109,870,250, A>T. VCF-style: chr4-109870250-A-T. GRCh37 (hg19) VCF-style: chr4-110791406-A-T.
Other names: short protein forms T501S.
Identifiers: ClinVar variation 1970086 (VCV001970086.5), dbSNP rs2545590088, ClinGen allele CA357871597.
Genomic context (GRCh38, chr4:109,870,250, plus strand): 5'-ACGGAGACAAATGCCGCAATAGAAAACCTCAGGGTGGTCAGTGAGACTAAAGAGAGTGTG[A>T]CATTGACGTGGAATATGATCAACACCACACATAACTCTGCAGTGACTGTGTTGTATTCCA-3'
Protein context (NP_940908.3, residues 491-511): RVVSETKESV[Thr501Ser]LTWNMINTTH